The following is an entry in ClinVar:

NM_152564.5(VPS13B):c.11666T>C (p.Ile3889Thr)

Gene: VPS13B (vacuolar protein sorting 13 homolog B; plus strand). Cytogenetic location: 8q22.2.
Variant type: single nucleotide variant.
Coding change: c.11666T>C on transcript NM_152564.5 (MANE Select); coding-DNA position 11666, T replaced by C.
Protein change: p.Ile3889Thr; replaces isoleucine 3889 with threonine.
Molecular consequence: missense variant.
Genome position (GRCh38, 1-based): chr8:99,871,618, T>C. VCF-style: chr8-99871618-T-C. GRCh37 (hg19) VCF-style: chr8-100883846-T-C.
Other names: c.11666T>C (NM_152564.4); c.11741T>C, p.Ile3914Thr (NM_017890.5); short protein forms I3914T, I3889T.
Identifiers: ClinVar variation 967630 (VCV000967630.11), dbSNP rs778142738, ClinGen allele CA4825296.

ClinVar aggregate classification (germline): Uncertain significance. Review status: criteria provided, multiple submitters, no conflicts (2 of 4 stars). 4 submissions from 4 submitters: Uncertain significance (3). 1 of the submissions does not count toward it. Last evaluated 2026-06-23.

Conditions:
Cohen syndrome (COH1). Also called: PEPPER SYNDROME; Cutis verticis gyrata, retinitis pigmentosa, and sensorineural deafness. Identifiers: Orphanet 193, MedGen C0265223, MONDO:0008999, OMIM 216550.
VPS13B-related disorder. Also called: VPS13B-related condition.

Allele frequency attached by ClinVar (database versions not stated): gnomAD exomes below 0.00001; ExAC 0.00001; TOPMed 0.00001.
gnomAD v4.1: 3 of 1,614,092 alleles (0.00019%); highest among the groups gnomAD compares: East Asian, 0.0045%; no homozygotes.

Submissions (4):

PreventionGenetics, part of Exact Sciences
Classification: Uncertain significance for VPS13B-related condition. Last evaluated: 2026-06-23. Review status: criteria provided, single submitter. Criteria: ACMG Guidelines, 2015. Collection method: clinical testing. Allele origin: germline.
Comment: The VPS13B c.11666T>C variant is predicted to result in the amino acid substitution p.Ile3889Thr. To our knowledge, this variant has not been reported in the literature. This variant is reported in 0.0054% of alleles in individuals of East Asian descent in gnomAD. At this time, the clinical significance of this variant is uncertain due to the absence of conclusive functional and genetic evidence.

Blueprint Genetics
Classification: Uncertain significance. Last evaluated: 2024-03-28. Review status: criteria provided, single submitter. Criteria: ACMG Guidelines, 2015. Collection method: clinical testing. Allele origin: germline.

Labcorp Genetics (formerly Invitae), Labcorp
Classification: Uncertain significance for Cohen syndrome. Last evaluated: 2022-08-19. Review status: criteria provided, single submitter. Criteria: Invitae Variant Classification Sherloc (09022015). Collection method: clinical testing. Allele origin: germline.
Comment: This sequence change replaces isoleucine, which is neutral and non-polar, with threonine, which is neutral and polar, at codon 3914 of the VPS13B protein (p.Ile3914Thr). This variant is present in population databases (rs778142738, gnomAD 0.006%). This variant has not been reported in the literature in individuals affected with VPS13B-related conditions. ClinVar contains an entry for this variant (Variation ID: 967630). Algorithms developed to predict the effect of missense changes on protein structure and function output the following: SIFT: "Not Available"; PolyPhen-2: "Benign"; Align-GVGD: "Not Available". The threonine amino acid residue is found in multiple mammalian species, which suggests that this missense change does not adversely affect protein function. In summary, the available evidence is currently insufficient to determine the role of this variant in disease. Therefore, it has been classified as a Variant of Uncertain Significance.

Natera, Inc.
Classification: Uncertain significance for Cohen syndrome. Last evaluated: 2021-02-18. Review status: no assertion criteria provided. Collection method: clinical testing. Allele origin: germline. Not counted in ClinVar's aggregate classification.